The following is an entry in ClinVar:

ClinVar aggregate classification (germline): Benign. Review status: criteria provided, single submitter (1 of 4 stars). 2 submissions from 2 submitters: Benign (1). 1 of the submissions does not count toward it. Last evaluated 2026-09-01.

Conditions:
LAT-related disorder. Also called: LAT-related condition.

Allele frequency attached by ClinVar (database versions not stated): ExAC 0.00009; gnomAD 0.00040; 1000 Genomes Project 0.00120; 1000 Genomes Project 30x 0.00125.
gnomAD v4.1: 663 of 1,546,618 alleles (0.043%); highest among the groups gnomAD compares: Admixed American, 1.3%; 15 homozygotes.

Submissions (2):

CeGaT Center for Human Genetics Tuebingen
Classification: Benign. Last evaluated: 2026-09-01. Review status: criteria provided, single submitter. Criteria: CeGaT Center For Human Genetics Tuebingen Variant Classification Criteria Version 2. Collection method: clinical testing. Allele origin: germline. Affected: yes. Observed: 2 variant alleles.
Comment: LAT: BP4, BS1, BS2

PreventionGenetics, part of Exact Sciences
Classification: Likely benign for LAT-related condition. Last evaluated: 2020-03-16. Review status: no assertion criteria provided. Collection method: clinical testing. Allele origin: germline. Not counted in ClinVar's aggregate classification.
Comment: This variant is classified as likely benign based on ACMG/AMP sequence variant interpretation guidelines (Richards et al. 2015 PMID: 25741868, with internal and published modifications).

NM_001014989.2(LAT):c.52G>T (p.Ala18Ser)

Genes: LAT (linker for activation of T cells; plus strand), LOC130058751 (ATAC-STARR-seq lymphoblastoid silent region 7323; plus strand). Cytogenetic location: 16p11.2.
Variant type: single nucleotide variant.
Coding change: c.52G>T on transcript NM_001014989.2; coding-DNA position 52, G replaced by T.
Protein change: p.Ala18Ser; replaces alanine 18 with serine.
Molecular consequence: missense variant.
Genome position (GRCh38, 1-based): chr16:28,984,913, G>T. VCF-style: chr16-28984913-G-T. GRCh37 (hg19) VCF-style: chr16-28996234-G-T.
Other names: short protein forms A18S.
Identifiers: ClinVar variation 3045244 (VCV003045244.15), dbSNP rs572112079, ClinGen allele CA7989760.